The following is an entry in ClinVar:

ClinVar aggregate classification (germline): Uncertain significance (1 of 4 stars; one submission).

Conditions:
Juvenile polyposis syndrome (JPS). Identifiers: Orphanet 2929, MedGen C0345893, MONDO:0017380, OMIM 174900.

Submission:

Labcorp Genetics (formerly Invitae), Labcorp
Classification: Uncertain significance for Juvenile polyposis syndrome. Last evaluated: 2019-12-17. Review status: criteria provided, single submitter. Criteria: Invitae Variant Classification Sherloc (09022015). Collection method: clinical testing. Allele origin: germline.
Comment: This sequence change falls in intron 7 of the BMPR1A gene. It does not directly change the encoded amino acid sequence of the BMPR1A protein, but it affects a nucleotide within the consensus splice site of the intron. This variant is not present in population databases (ExAC no frequency). In summary, the available evidence is currently insufficient to determine the role of this variant in disease. Therefore, it has been classified as a Variant of Uncertain Significance. Nucleotide substitutions within the consensus splice site are a relatively common cause of aberrant splicing (PMID: 17576681, 9536098). Algorithms developed to predict the effect of sequence changes on RNA splicing suggest that this variant may disrupt the consensus splice site, but this prediction has not been confirmed by published transcriptional studies. This variant has not been reported in the literature in individuals with BMPR1A-related disease.

Literature cited by the submitters: PubMed 17576681; PubMed 9536098.

NM_004329.3(BMPR1A):c.530+5G>A

Gene: BMPR1A (bone morphogenetic protein receptor type 1A; plus strand). Cytogenetic location: 10q23.2.
Variant type: single nucleotide variant.
Coding change: c.530+5G>A on transcript NM_004329.3 (MANE Select); 5 bases into the intron after coding-DNA position 530, G replaced by A.
Molecular consequence: intron variant.
Genome position (GRCh38, 1-based): chr10:86,900,131, G>A. VCF-style: chr10-86900131-G-A. GRCh37 (hg19) VCF-style: chr10-88659888-G-A.
Identifiers: ClinVar variation 460502 (VCV000460502.9), dbSNP rs1554889026, ClinGen allele CA658657980.